The following is an entry in ClinVar:

ClinVar aggregate classification (germline): Pathogenic (1 of 4 stars; one submission).

Submission:

CeGaT Center for Human Genetics Tuebingen
Classification: Pathogenic. Last evaluated: 2024-09-01. Review status: criteria provided, single submitter. Criteria: CeGaT Center For Human Genetics Tuebingen Variant Classification Criteria Version 2. Collection method: clinical testing. Allele origin: germline. Affected: yes. Observed: 1 variant allele.
Comment: SRRM2: PVS1, PM2

NM_016333.4(SRRM2):c.321_327dup (p.Glu110fs)

Genes: SRRM2 (serine/arginine repetitive matrix 2; plus strand), LOC126862261 (BRD4-independent group 4 enhancer GRCh37_chr16:2807529-2808728; plus strand). Cytogenetic location: 16p13.3.
Variant type: Duplication.
Coding change: c.321_327dup on transcript NM_016333.4 (MANE Select); coding-DNA positions 321 to 327, 7 bases duplicated (CAAGGAG; older notation c.321_327dupCAAGGAG).
Protein change: p.Glu110fs; shifts the reading frame from glutamic acid 110.
Molecular consequence: frameshift variant.
Genome position (GRCh38, 1-based): chr16:2,757,550-2,757,556, CAAGGAG duplicated; duplicating any 7 consecutive bases within chr16:2,757,549-2,757,556 gives the same sequence; the c. name uses the placement nearest the transcript's 3' end. VCF-style (leftmost placement, unchanged base first): chr16-2757548-G-GGCAAGGA. GRCh37 (hg19) VCF-style: chr16-2807549-G-GGCAAGGA.
Other names: short protein forms E110fs.
Identifiers: ClinVar variation 3389695 (VCV003389695.14).